The following is an entry in ClinVar:

ClinVar aggregate classification (germline): Uncertain significance (1 of 4 stars; one submission).

Conditions:
Inborn genetic diseases. Identifiers: MedGen C0950123, MeSH D030342.

gnomAD v4.1: 1 of 1,613,856 alleles (0.000062%); highest among the groups gnomAD compares: Non-Finnish European, 0.000085%; no homozygotes.

Submission:

Ambry Genetics
Classification: Uncertain significance for Inborn genetic diseases. Last evaluated: 2025-01-13. Review status: criteria provided, single submitter. Criteria: Ambry Variant Classification Scheme 2023. Collection method: clinical testing. Allele origin: germline.
Comment: The p.D804E variant (also known as c.2412T>G), located in coding exon 1 of the SAMD9L gene, results from a T to G substitution at nucleotide position 2412. The aspartic acid at codon 804 is replaced by glutamic acid, an amino acid with highly similar properties. This amino acid position is conserved. In addition, the in silico prediction for this alteration is inconclusive. Based on the available evidence, the clinical significance of this variant remains unclear.

NM_152703.5(SAMD9L):c.2412T>G (p.Asp804Glu)

Gene: SAMD9L (sterile alpha motif domain containing 9 like; minus strand). Cytogenetic location: 7q21.2.
Variant type: single nucleotide variant.
Coding change: c.2412T>G on transcript NM_152703.5 (MANE Select); coding-DNA position 2412, T replaced by G.
Protein change: p.Asp804Glu; replaces aspartic acid 804 with glutamic acid.
Molecular consequence: missense variant.
Genome position (GRCh38, 1-based): chr7:93,133,560, A>C on the plus strand (T>G on the coding strand, the complement: SAMD9L is on the minus strand). VCF-style: chr7-93133560-A-C. GRCh37 (hg19) VCF-style: chr7-92762873-A-C.
Other names: c.2412T>G, p.Asp804Glu (NM_001303496.3, NM_001303497.3, NM_001303498.3 and 5 more transcripts); short protein forms D804E.
Identifiers: ClinVar variation 3792304 (VCV003792304.1).